The following is an entry in ClinVar:

NM_000080.4(CHRNE):c.*837A>G

Genes: CHRNE (cholinergic receptor nicotinic epsilon subunit; minus strand), MINK1 (misshapen like kinase 1; plus strand). Cytogenetic location: 17p13.2.
Variant type: single nucleotide variant.
Coding change: c.*837A>G on transcript NM_000080.4 (MANE Select); 837 bases downstream of the stop codon, A replaced by G.
Molecular consequence: 3 prime UTR variant.
Genome position (GRCh38, 1-based): chr17:4,897,899, T>C on the plus strand (A>G on the coding strand, the complement: CHRNE is on the minus strand). VCF-style: chr17-4897899-T-C. GRCh37 (hg19) VCF-style: chr17-4801194-T-C.
Other names: c.*612T>C (NM_001024937.4, NM_001321236.2, NM_015716.5 and 2 more transcripts).
Identifiers: ClinVar variation 323951 (VCV000323951.6), dbSNP rs8834, ClinGen allele CA10650443.

ClinVar aggregate classification (germline): Benign. Review status: criteria provided, multiple submitters, no conflicts (2 of 4 stars). 2 submissions from 2 submitters: Benign (2). Last evaluated 2018-01-13.

Conditions:
Congenital myasthenic syndrome (CMS). Also called: Congenital Myasthenic Syndromes. Identifiers: Orphanet 590, MedGen C0751882, MeSH D020294, MONDO:0018940.

Allele frequency attached by ClinVar (database versions not stated): gnomAD exomes 0.26261; gnomAD 0.34040 and 0.35557; TOPMed 0.34265; 1000 Genomes Project 30x 0.43910; 1000 Genomes Project 0.44768.
gnomAD v4.1: 51,770 of 145,814 alleles (36%); highest among the groups gnomAD compares: South Asian, 63%; 9,519 homozygotes.

Submissions (2):

Illumina Laboratory Services, Illumina
Classification: Benign for Congenital myasthenic syndrome. Last evaluated: 2018-01-13. Review status: criteria provided, single submitter. Criteria: ICSL Variant Classification Criteria 13 December 2019. Collection method: clinical testing. Allele origin: germline.
Comment: This variant was observed in the ICSL laboratory as part of a predisposition screen in an ostensibly healthy population. It had not been previously curated by ICSL or reported in the Human Gene Mutation Database (HGMD: prior to June 1st, 2018), and was therefore a candidate for classification through an automated scoring system. Utilizing variant allele frequency, disease prevalence and penetrance estimates, and inheritance mode, an automated score was calculated to assess if this variant is too frequent to cause the disease. Based on the score and internal cut-off values, a variant classified as benign is not then subjected to further curation. The score for this variant resulted in a classification of benign for this disease.

Breakthrough Genomics
Classification: Benign. Review status: criteria provided, single submitter. Criteria: ACMG Guidelines, 2015. Collection method: not provided. Allele origin: germline. Inheritance: Autosomal recessive inheritance. Affected: yes.